The following is an entry in ClinVar:

NM_000059.4(BRCA2):c.3975_3978dup (p.Ala1327fs)

Gene: BRCA2 (BRCA2 DNA repair associated; plus strand). Cytogenetic location: 13q13.1.
Variant type: Duplication.
Coding change: c.3975_3978dup on transcript NM_000059.4 (MANE Select); coding-DNA positions 3975 to 3978, 4 bases duplicated (TGCT; older notation c.3975_3978dupTGCT).
Protein change: p.Ala1327fs; shifts the reading frame from alanine 1327.
Molecular consequence: frameshift variant.
Genome position (GRCh38, 1-based): chr13:32,338,330-32,338,333, TGCT duplicated. VCF-style (leftmost placement, unchanged base first): chr13-32338329-C-CTGCT. GRCh37 (hg19) VCF-style: chr13-32912466-C-CTGCT.
Other names: c.3975_3978dupTGCT (NM_000059.3); short protein forms A1327fs.
Identifiers: ClinVar variation 51578 (VCV000051578.80), dbSNP rs397515636, ClinGen allele CA019317.

ClinVar aggregate classification (germline): Pathogenic. Review status: reviewed by expert panel (3 of 4 stars). 34 submissions from 31 submitters: Pathogenic (1). 33 of the submissions do not count toward it. Last evaluated 2016-09-08.

Conditions:
Inherited breast cancer and ovarian cancer.
BRCA2-related disorder. Also called: BRCA2-related condition; BRCA2-related disorders. Identifiers: MedGen CN239275.
Hereditary cancer-predisposing syndrome. Also called: Hereditary Cancer Syndrome; Tumor predisposition; Neoplastic Syndromes, Hereditary; Hereditary neoplastic syndrome. Identifiers: Orphanet 140162, MedGen C0027672, MeSH D009386, MONDO:0015356.
Hereditary breast ovarian cancer syndrome. Also called: Breast and ovarian cancer; BRCA1- and BRCA2-Associated Hereditary Breast and Ovarian Cancer; Hereditary breast and ovarian cancer; Hereditary breast and ovarian cancer syndrome (HBOC); Hereditary breast and ovarian cancer syndrome; Hereditary breast and/or ovarian cancer syndrome. Identifiers: Orphanet 145, MedGen C0677776, MeSH D061325, MONDO:0003582. Disease mechanism: loss of function.
Breast-ovarian cancer, familial, susceptibility to, 2 (BROVCA2). Also called: BRCA2 Hereditary Breast and Ovarian Cancer. Identifiers: Orphanet 145, MedGen C2675520, MONDO:0012933, OMIM 612555. Disease mechanism: loss of function.
Prostate cancer. Also called: Malignant tumor of prostate. Identifiers: Orphanet 1331, MedGen C0376358, MONDO:0008315, HP:0012125.
Breast-ovarian cancer, familial, susceptibility to, 1 (BROVCA1). Also called: BRCA1 Hereditary Breast and Ovarian Cancer; OVARIAN CANCER, SUSCEPTIBILITY TO. Identifiers: Orphanet 145, MedGen C2676676, MONDO:0011450, OMIM 604370. Disease mechanism: loss of function.
Familial cancer of breast. Also called: BREAST CANCER, FAMILIAL; hereditary breast carcinoma; Hereditary breast cancer. Identifiers: Orphanet 227535, MedGen C0346153, MONDO:0016419, OMIM 114480. Disease mechanism: loss of function.
Breast carcinoma. Also called: Carcinoma of breast. Identifiers: MedGen C0678222, MONDO:0004989, HP:0003002.

Allele frequency attached by ClinVar (database versions not stated): gnomAD exomes below 0.00001; ExAC 0.00001.

Submissions 1 to 10 of 34:

Evidence-based Network for the Interpretation of Germline Mutant Alleles (ENIGMA)
Classification: Pathogenic for Breast-ovarian cancer, familial, susceptibility to, 2. Last evaluated: 2016-09-08. Review status: reviewed by expert panel. Criteria: ENIGMA BRCA1/2 Classification Criteria (2015). Collection method: curation. Allele origin: germline.
Comment: Variant allele predicted to encode a truncated non-functional protein.

Institute of Human Genetics, University of Leipzig Medical Center
Classification: Pathogenic for Breast-ovarian cancer, familial, susceptibility to, 2. Last evaluated: 2026-08-11. Review status: criteria provided, single submitter. Criteria: ACMG Guidelines, 2015. Collection method: clinical testing. Allele origin: unknown. Inheritance: Autosomal dominant inheritance. Affected: yes. Not counted in ClinVar's aggregate classification.
Comment: Criteria applied: PVS1,PM5_STR,PP4_STR,PM2_SUP

Institute of Human Genetics, University of Leipzig Medical Center
Classification: Pathogenic for Familial cancer of breast. Last evaluated: 2026-08-03. Review status: criteria provided, single submitter. Criteria: ACMG Guidelines, 2015. Collection method: clinical testing. Allele origin: unknown. Inheritance: Autosomal dominant inheritance. Affected: yes. Not counted in ClinVar's aggregate classification.
Comment: Criteria applied: PVS1,PM5_STR,PM2_SUP, PP4_STR

Genomics and Molecular Medicine Service, East Genomic Laboratory Hub, NHS Genomic Medicine Service
Classification: Pathogenic for Inherited breast cancer and ovarian cancer. Last evaluated: 2026-05-21. Review status: criteria provided, single submitter. Criteria: ACGS Best Practice Guidelines for Variant Classification in Rare Disease 2020. Collection method: clinical testing. Allele origin: germline. Affected: yes. Not counted in ClinVar's aggregate classification.
Comment: PVS1,PM2_Supporting,PM5_Strong

Institute of Human Genetics, University of Leipzig Medical Center
Classification: Pathogenic for Breast-ovarian cancer, familial, susceptibility to, 1. Last evaluated: 2026-01-05. Review status: criteria provided, single submitter. Criteria: ACMG Guidelines, 2015. Collection method: clinical testing. Allele origin: unknown. Affected: yes. Not counted in ClinVar's aggregate classification.
Comment: Criteria applied: PVS1,PM5_STR,PM2_SUP

CeGaT Center for Human Genetics Tuebingen
Classification: Pathogenic. Last evaluated: 2026-01-01. Review status: criteria provided, single submitter. Criteria: CeGaT Center For Human Genetics Tuebingen Variant Classification Criteria Version 2. Collection method: clinical testing. Allele origin: germline. Affected: yes. Observed: 3 variant alleles. Not counted in ClinVar's aggregate classification.
Comment: BRCA2: PVS1, PS4:Moderate, PM2:Supporting

Labcorp Genetics (formerly Invitae), Labcorp
Classification: Pathogenic for Hereditary breast ovarian cancer syndrome. Last evaluated: 2025-12-24. Review status: criteria provided, single submitter. Criteria: Invitae Variant Classification Sherloc (09022015). Collection method: clinical testing. Allele origin: germline. Not counted in ClinVar's aggregate classification.
Comment: This sequence change creates a premature translational stop signal (p.Ala1327Cysfs*4) in the BRCA2 gene. It is expected to result in an absent or disrupted protein product. Loss-of-function variants in BRCA2 are known to be pathogenic (PMID: 20104584). This variant is present in population databases (rs764689249, gnomAD 0.001%). This premature translational stop signal has been observed in individual(s) with breast cancer and breast and ovarian cancer (PMID: 10978364, 16168118, 20104584, 22923021, 25066507, 25366421). This variant is also known as 4206insTGCT. ClinVar contains an entry for this variant (Variation ID: 51578). For these reasons, this variant has been classified as Pathogenic.

PreventionGenetics, part of Exact Sciences
Classification: Pathogenic for BRCA2-related condition. Last evaluated: 2025-12-09. Review status: criteria provided, single submitter. Criteria: ACMG Guidelines, 2015. Collection method: clinical testing. Allele origin: germline. Not counted in ClinVar's aggregate classification.
Comment: The BRCA2 c.3975_3978dupTGCT variant is predicted to result in a frameshift and premature protein termination (p.Ala1327Cysfs*4). This variant is also known as 4206insTGCT and 4203_4206dupTGCT in the literature. This variant has been reported in multiple individuals with breast cancer, ovarian cancer, and prostate cancer (Strojnik et al. 2021. PubMed ID: 33891299; Cybulski et al. 2014. PubMed ID: 25330149; Alemar et al. 2017. PubMed ID: 29161300; Tsaousis et al. 2019. PubMed ID: 31159747; Kechin et al. 2022. PubMed ID: 36367610; Na et al. 2016. PubMed ID: 27989354). This variant has not been reported in a large population database (gnomAD), indicating this variant is rare. This variant is interpreted as pathogenic in ClinVar (Variation ID: 51578). Frameshift variants in BRCA2 are expected to be pathogenic. This variant is interpreted as pathogenic.

OLLIN Analises Genomicas, OLLIN
Classification: Pathogenic for Breast-ovarian cancer, familial, susceptibility to, 2. Last evaluated: 2025-05-21. Review status: criteria provided, single submitter. Criteria: ACMG Guidelines 2015 PMID 25741868. Collection method: clinical testing. Allele origin: germline. Affected: yes. Observed: 1 variant allele. Not counted in ClinVar's aggregate classification.
Comment: The frameshift variant (chr13:32338329C>CTGCT), located in exon 11 (of 27), is reported in ClinVar (VCV000051578.70), in gnomAD v4.1 non-UKB with an allele frequency of 0.00033%, and in the scientific literature in individuals with breast and ovarian cancer (PMID: 29907814, 21232165, 31409081, 22923021). This variant promotes a frameshift with subsequent introduction of a premature stop codon, resulting in a truncated protein or mRNA degradation via nonsense-mediated decay (NMD). Several pathogenic variants exist that add a premature stop codon to this same exon. According to currently available evidence and the specific ClinGen criteria for the gene (PMID: 39142283), this variant has been classified as pathogenic (PVS1, PS4, PM2_P, PM5_S).

GeneKor MSA
Classification: Pathogenic for Hereditary breast ovarian cancer syndrome. Last evaluated: 2025-05-15. Review status: criteria provided, single submitter. Criteria: ACMG Guidelines, 2015. Collection method: clinical testing. Allele origin: germline. Affected: yes. Not counted in ClinVar's aggregate classification.
Comment: This variant is a duplication of 4 nucleotides in exon 11 of the BRCA2 mRNA c.(3975_3978dupTGCT), causing a frameshift after codon 1327 and a premature translation stop signal 4 amino acid residues later, p.(Ala1327Cysfs*4). This is expected to result in an absent or disrupted protein product. This variant is present in population databases (rs397515636). This variant, also known as 4206insTGCT, has been reported in international literature in breast, ovarian and prostate cancer patients (PMID:31409081, 30613824). ClinVar contains entries for this variant (VCV000051578.65). Based on the classification criteria set by the ACMG and AMP (PMID:25741868) this variant has been classified as pathogenic.